The following is an entry in ClinVar:

ClinVar aggregate classification (germline): Uncertain significance (1 of 4 stars; one submission).

Submission:

Labcorp Genetics (formerly Invitae), Labcorp
Classification: Uncertain significance. Last evaluated: 2024-08-17. Review status: criteria provided, single submitter. Criteria: Invitae Variant Classification Sherloc (09022015). Collection method: clinical testing. Allele origin: germline.
Comment: This sequence change affects a donor splice site in intron 35 of the RNF213 gene. It is expected to disrupt RNA splicing. Variants that disrupt the donor or acceptor splice site typically lead to a loss of protein function (PMID: 16199547), however the current clinical and genetic evidence is not sufficient to establish whether loss-of-function variants in RNF213 cause disease. This variant is not present in population databases (gnomAD no frequency). This variant has not been reported in the literature in individuals affected with RNF213-related conditions. Algorithms developed to predict the effect of sequence changes on RNA splicing suggest that this variant may disrupt the consensus splice site. In summary, the available evidence is currently insufficient to determine the role of this variant in disease. Therefore, it has been classified as a Variant of Uncertain Significance.

Literature cited by the submitters: PubMed 16199547.

NM_001256071.3(RNF213):c.10726+1G>T

Genes: RNF213 (ring finger protein 213; plus strand), RNF213-AS1 (RNF213 antisense RNA 1; minus strand). Cytogenetic location: 17q25.3.
Variant type: single nucleotide variant.
Coding change: c.10726+1G>T on transcript NM_001256071.3 (MANE Select); the canonical splice donor site of the intron after coding-DNA position 10726, G replaced by T.
Molecular consequence: splice donor variant. On other transcripts: non-coding transcript variant (1).
Genome position (GRCh38, 1-based): chr17:80,354,167, G>T. VCF-style: chr17-80354167-G-T. GRCh37 (hg19) VCF-style: chr17-78327967-G-T.
Other names: c.10873+1G>T (NM_020914.5, NM_001410195.1).
Identifiers: ClinVar variation 3678509 (VCV003678509.2).